The following is an entry in ClinVar:

ClinVar aggregate classification (germline): Uncertain significance. Review status: criteria provided, multiple submitters, no conflicts (2 of 4 stars). 2 submissions from 2 submitters: Uncertain significance (2). Last evaluated 2025-11-21.

Conditions:
Bloom syndrome (BLM). Also called: Bloom-Torre-Machacek syndrome. Identifiers: Orphanet 125, MedGen C0005859, MONDO:0008876, OMIM 210900.
Hereditary cancer-predisposing syndrome. Also called: Hereditary Cancer Syndrome; Tumor predisposition; Hereditary neoplastic syndrome; Neoplastic Syndromes, Hereditary. Identifiers: Orphanet 140162, MedGen C0027672, MeSH D009386, MONDO:0015356.

gnomAD v4.1: 3 of 1,613,306 alleles (0.00019%); highest among the groups gnomAD compares: Non-Finnish European, 0.00017%; no homozygotes.

Submissions (2):

Ambry Genetics
Classification: Uncertain significance for Hereditary cancer-predisposing syndrome. Last evaluated: 2025-11-21. Review status: criteria provided, single submitter. Criteria: Ambry Variant Classification Scheme 2023. Collection method: clinical testing. Allele origin: germline.
Comment: The p.R643S variant (also known as c.1927C>A), located in coding exon 7 of the BLM gene, results from a C to A substitution at nucleotide position 1927. The arginine at codon 643 is replaced by serine, an amino acid with dissimilar properties. This amino acid position is conserved. In addition, this alteration is predicted to be tolerated by in silico analysis. Since supporting evidence is limited at this time, the clinical significance of this alteration remains unclear.

Labcorp Genetics (formerly Invitae), Labcorp
Classification: Uncertain significance for Bloom syndrome. Last evaluated: 2024-04-30. Review status: criteria provided, single submitter. Criteria: Invitae Variant Classification Sherloc (09022015). Collection method: clinical testing. Allele origin: germline.
Comment: This sequence change replaces arginine, which is basic and polar, with serine, which is neutral and polar, at codon 643 of the BLM protein (p.Arg643Ser). This variant is not present in population databases (gnomAD no frequency). This variant has not been reported in the literature in individuals affected with BLM-related conditions. ClinVar contains an entry for this variant (Variation ID: 1056628). Advanced modeling of protein sequence and biophysical properties (such as structural, functional, and spatial information, amino acid conservation, physicochemical variation, residue mobility, and thermodynamic stability) performed at Invitae indicates that this missense variant is not expected to disrupt BLM protein function with a negative predictive value of 80%. In summary, the available evidence is currently insufficient to determine the role of this variant in disease. Therefore, it has been classified as a Variant of Uncertain Significance.

NM_000057.4(BLM):c.1927C>A (p.Arg643Ser)

Gene: BLM (BLM RecQ like helicase; plus strand). Cytogenetic location: 15q26.1.
Variant type: single nucleotide variant.
Coding change: c.1927C>A on transcript NM_000057.4 (MANE Select); coding-DNA position 1927, C replaced by A.
Protein change: p.Arg643Ser; replaces arginine 643 with serine.
Molecular consequence: missense variant.
Genome position (GRCh38, 1-based): chr15:90,763,010, C>A. VCF-style: chr15-90763010-C-A. GRCh37 (hg19) VCF-style: chr15-91306240-C-A.
Other names: c.1927C>A, p.Arg643Ser (NM_001287246.2, NM_001287247.2); c.802C>A, p.Arg268Ser (NM_001287248.2); short protein forms R268S, R643S.
Identifiers: ClinVar variation 1056628 (VCV001056628.12), dbSNP rs373090621, ClinGen allele CA393844159.